The following is an entry in ClinVar:

ClinVar aggregate classification (germline): Uncertain significance (1 of 4 stars; one submission).

Conditions:
Severe early-onset pulmonary alveolar proteinosis due to MARS deficiency. Also called: PULMONARY ALVEOLAR PROTEINOSIS, REUNION ISLAND; Interstitial lung and liver disease. Identifiers: Orphanet 440427, MedGen C4225400, MONDO:0014206, OMIM 615486.
Charcot-Marie-Tooth disease axonal type 2U. Also called: CHARCOT-MARIE-TOOTH DISEASE, AXONAL, AUTOSOMAL DOMINANT, TYPE 2U; CHARCOT-MARIE-TOOTH NEUROPATHY, TYPE 2U. Identifiers: Orphanet 397735, MedGen C4084821, MONDO:0014566, OMIM 616280.

Allele frequency attached by ClinVar (database versions not stated): ExAC 0.00001; gnomAD exomes 0.00001.
gnomAD v4.1: 9 of 1,614,060 alleles (0.00056%); highest among the groups gnomAD compares: African/African-American, 0.0013%; no homozygotes.

Submission:

Labcorp Genetics (formerly Invitae), Labcorp
Classification: Uncertain significance for Charcot-Marie-Tooth disease axonal type 2U; Severe early-onset pulmonary alveolar proteinosis due to MARS deficiency. Last evaluated: 2022-05-11. Review status: criteria provided, single submitter. Criteria: Invitae Variant Classification Sherloc (09022015). Collection method: clinical testing. Allele origin: germline.
Comment: In summary, the available evidence is currently insufficient to determine the role of this variant in disease. Therefore, it has been classified as a Variant of Uncertain Significance. Algorithms developed to predict the effect of missense changes on protein structure and function output the following: SIFT: "Tolerated"; PolyPhen-2: "Benign"; Align-GVGD: "Class C0". The valine amino acid residue is found in multiple mammalian species, which suggests that this missense change does not adversely affect protein function. This variant has not been reported in the literature in individuals affected with MARS-related conditions. This variant is present in population databases (rs149140599, gnomAD 0.0009%). This sequence change replaces methionine, which is neutral and non-polar, with valine, which is neutral and non-polar, at codon 235 of the MARS protein (p.Met235Val).

NM_004990.4(MARS1):c.703A>G (p.Met235Val)

Gene: MARS1 (methionyl-tRNA synthetase 1; plus strand). Cytogenetic location: 12q13.3.
Variant type: single nucleotide variant.
Coding change: c.703A>G on transcript NM_004990.4 (MANE Select); coding-DNA position 703, A replaced by G.
Protein change: p.Met235Val; replaces methionine 235 with valine.
Molecular consequence: missense variant.
Genome position (GRCh38, 1-based): chr12:57,490,577, A>G. VCF-style: chr12-57490577-A-G. GRCh37 (hg19) VCF-style: chr12-57884360-A-G.
Other names: short protein forms M235V.
Identifiers: ClinVar variation 2196154 (VCV002196154.4), dbSNP rs149140599, ClinGen allele CA6650264.